The following is an entry in ClinVar:

ClinVar aggregate classification (germline): Uncertain significance (1 of 4 stars; one submission).

Allele frequency attached by ClinVar (database versions not stated): gnomAD exomes below 0.00001.
gnomAD v4.1: 4 of 1,614,012 alleles (0.00025%); highest among the groups gnomAD compares: Non-Finnish European, 0.00034%; no homozygotes.

Submission:

GeneDx
Classification: Uncertain significance. Last evaluated: 2021-06-08. Review status: criteria provided, single submitter. Criteria: GeneDx Variant Classification Process June 2021. Collection method: clinical testing. Allele origin: germline. Affected: yes.
Comment: Not observed at significant frequency in large population cohorts (Lek et al., 2016); In silico analysis supports that this missense variant has a deleterious effect on protein structure/function; Has not been previously published as pathogenic or benign to our knowledge; This variant is associated with the following publications: (PMID: 27535533)

NM_015267.4(CUX2):c.4376A>T (p.His1459Leu)

Gene: CUX2 (cut like homeobox 2; plus strand). Cytogenetic location: 12q24.12.
Variant type: single nucleotide variant.
Coding change: c.4376A>T on transcript NM_015267.4 (MANE Select); coding-DNA position 4376, A replaced by T.
Protein change: p.His1459Leu; replaces histidine 1459 with leucine.
Molecular consequence: missense variant.
Genome position (GRCh38, 1-based): chr12:111,348,240, A>T. VCF-style: chr12-111348240-A-T. GRCh37 (hg19) VCF-style: chr12-111786044-A-T.
Other names: c.4190A>T, p.His1397Leu (NM_001370598.1); short protein forms H1397L, H1459L.
Identifiers: ClinVar variation 1327710 (VCV001327710.2), dbSNP rs2136460936, ClinGen allele CA386723122.
Genomic context (GRCh38, chr12:111,348,240, plus strand): 5'-CTGACATGGCTGGAGCCTTGCACCCCAGTGCCAAGGTGAACCCCAACTTGCAGCGGCGGC[A>T]TGAGAAGATGGCCAATCTGAACAACATCATTTACCGAGTAGAGCGGGCTGCCAATCGGGA-3'
Protein context (NP_056082.2, residues 1449-1469): AKVNPNLQRR[His1459Leu]EKMANLNNII